The following is an entry in ClinVar:

ClinVar aggregate classification (germline): Uncertain significance (1 of 4 stars; one submission).

Submission:

Labcorp Genetics (formerly Invitae), Labcorp
Classification: Uncertain significance. Last evaluated: 2022-07-12. Review status: criteria provided, single submitter. Criteria: Invitae Variant Classification Sherloc (09022015). Collection method: clinical testing. Allele origin: germline.
Comment: This sequence change replaces arginine, which is basic and polar, with proline, which is neutral and non-polar, at codon 14 of the COL18A1 protein (p.Arg14Pro). This variant is not present in population databases (gnomAD no frequency). This variant has not been reported in the literature in individuals affected with COL18A1-related conditions. ClinVar contains an entry for this variant (Variation ID: 1512080). Experimental studies and prediction algorithms are not available or were not evaluated, and the functional significance of this variant is currently unknown. In summary, the available evidence is currently insufficient to determine the role of this variant in disease. Therefore, it has been classified as a Variant of Uncertain Significance.

NM_001379500.1(COL18A1):c.41G>C (p.Arg14Pro)

Genes: BNAT1 (breast cancer associated ESR1 regulating natural antisense transcript 1; minus strand), COL18A1 (collagen type XVIII alpha 1 chain; plus strand). Cytogenetic location: 21q22.3.
Variant type: single nucleotide variant.
Coding change: c.41G>C on transcript NM_001379500.1 (MANE Select); coding-DNA position 41, G replaced by C.
Protein change: p.Arg14Pro; replaces arginine 14 with proline.
Molecular consequence: missense variant.
Genome position (GRCh38, 1-based): chr21:45,405,408, G>C. VCF-style: chr21-45405408-G-C. GRCh37 (hg19) VCF-style: chr21-46825323-G-C.
Other names: short protein forms R14P.
Identifiers: ClinVar variation 1512080 (VCV001512080.3), dbSNP rs2123483637, ClinGen allele CA410620315.